The following is an entry in ClinVar:

ClinVar aggregate classification (germline): Pathogenic (1 of 4 stars; one submission).

Conditions:
Maple syrup urine disease (MSUD). Identifiers: Orphanet 511, MedGen C0024776, MeSH D008375, MONDO:0009563. Disease mechanism: loss of function.

Submission:

Labcorp Genetics (formerly Invitae), Labcorp
Classification: Pathogenic for Maple syrup urine disease. Last evaluated: 2022-08-09. Review status: criteria provided, single submitter. Criteria: Invitae Variant Classification Sherloc (09022015). Collection method: clinical testing. Allele origin: germline.
Comment: This sequence change creates a premature translational stop signal (p.Asn14Thrfs*4) in the BCKDHA gene. It is expected to result in an absent or disrupted protein product. Loss-of-function variants in BCKDHA are known to be pathogenic (PMID: 16786533, 22593002). This variant is not present in population databases (gnomAD no frequency). This variant has not been reported in the literature in individuals affected with BCKDHA-related conditions. For these reasons, this variant has been classified as Pathogenic.

Literature cited by the submitters: PubMed 16786533; PubMed 22593002.

NM_000709.4(BCKDHA):c.41del (p.Asn14fs)

Gene: BCKDHA (branched chain keto acid dehydrogenase E1 subunit alpha; plus strand). Cytogenetic location: 19q13.2.
Variant type: Deletion.
Coding change: c.41del on transcript NM_000709.4 (MANE Select); coding-DNA position 41, one base deleted (A; older notation c.41delA).
Protein change: p.Asn14fs; shifts the reading frame from asparagine 14.
Molecular consequence: frameshift variant.
Genome position (GRCh38, 1-based): chr19:41,397,868, A deleted; the last of 3 consecutive A bases (chr19:41,397,866-41,397,868); deleting any one gives the same sequence. VCF-style (leftmost placement, unchanged base first): chr19-41397865-TA-T. GRCh37 (hg19) VCF-style: chr19-41903770-TA-T.
Other names: c.41del, p.Asn14fs (NM_001164783.2); short protein forms N14fs.
Identifiers: ClinVar variation 2023162 (VCV002023162.4), dbSNP rs2513443854, ClinGen allele CA2580097279.